The following is an entry in ClinVar:

ClinVar aggregate classification (germline): Uncertain significance (1 of 4 stars; one submission).

Conditions:
Holocarboxylase synthetase deficiency. Also called: MULTIPLE CARBOXYLASE DEFICIENCY, EARLY ONSET. Identifiers: Orphanet 79242, MedGen C0268581, MONDO:0009666, OMIM 253270.

Submission:

Labcorp Genetics (formerly Invitae), Labcorp
Classification: Uncertain significance for Holocarboxylase synthetase deficiency. Last evaluated: 2021-09-24. Review status: criteria provided, single submitter. Criteria: Invitae Variant Classification Sherloc (09022015). Collection method: clinical testing. Allele origin: germline.
Comment: This sequence change replaces valine with alanine at codon 687 of the HLCS protein (p.Val687Ala). The valine residue is moderately conserved and there is a small physicochemical difference between valine and alanine. This variant is not present in population databases (ExAC no frequency). This variant has not been reported in the literature in individuals with HLCS-related conditions. Advanced modeling of protein sequence and biophysical properties (such as structural, functional, and spatial information, amino acid conservation, physicochemical variation, residue mobility, and thermodynamic stability) performed at Invitae indicates that this missense variant is not expected to disrupt HLCS protein function. In summary, the available evidence is currently insufficient to determine the role of this variant in disease. Therefore, it has been classified as a Variant of Uncertain Significance.

NM_001352514.2(HLCS):c.2501T>C (p.Val834Ala)

Gene: HLCS (holocarboxylase synthetase; minus strand). Cytogenetic location: 21q22.13.
Variant type: single nucleotide variant.
Coding change: c.2501T>C on transcript NM_001352514.2 (MANE Select); coding-DNA position 2501, T replaced by C.
Protein change: p.Val834Ala; replaces valine 834 with alanine.
Molecular consequence: missense variant. On other transcripts: non-coding transcript variant (2).
Genome position (GRCh38, 1-based): chr21:36,754,367, A>G on the plus strand (T>C on the coding strand, the complement: HLCS is on the minus strand). VCF-style: chr21-36754367-A-G. GRCh37 (hg19) VCF-style: chr21-38126668-A-G.
Other names: c.2060T>C, p.Val687Ala (NM_000411.8, NM_001242784.3, NM_001242785.2 and 4 more transcripts); short protein forms V687A, V834A.
Identifiers: ClinVar variation 1359294 (VCV001359294.5), dbSNP rs2123556320, ClinGen allele CA409918232.